The following is an entry in ClinVar:

ClinVar aggregate classification (germline): Benign. Review status: criteria provided, multiple submitters, no conflicts (2 of 4 stars). 8 submissions from 8 submitters: Benign (7). 1 of the submissions does not count toward it. Last evaluated 2026-02-03.

Conditions:
Inborn genetic diseases. Identifiers: MedGen C0950123, MeSH D030342.
Pyridoxal phosphate-responsive seizures (PNPOD). Also called: Pyridoxal 5'-Phosphate (PLP)-Dependent Epilepsy; Pyridoxamine 5-Prime-Phosphate Oxidase Deficiency; EPILEPTIC ENCEPHALOPATHY, NEONATAL, PNPO-RELATED; SEIZURES, PYRIDOXINE-RESISTANT, PLP-SENSITIVE; Pyridoxine-5'-phosphate oxidase deficiency. Identifiers: Orphanet 79096, MedGen C1864723, MONDO:0012407, OMIM 610090. Disease mechanism: loss of function.

Allele frequency attached by ClinVar (database versions not stated): TOPMed 0.02162; ESP Exome Variant Server 0.02214; gnomAD exomes 0.00227 and 0.00573; ExAC 0.00670; 1000 Genomes Project 0.01857; gnomAD 0.01925 and 0.02044; 1000 Genomes Project 30x 0.02046.
gnomAD v4.1: 6,420 of 1,614,008 alleles (0.4%); highest among the groups gnomAD compares: African/African-American, 6.4%; 186 homozygotes.

Submissions (8):

Labcorp Genetics (formerly Invitae), Labcorp
Classification: Benign for Pyridoxal phosphate-responsive seizures. Last evaluated: 2026-02-03. Review status: criteria provided, single submitter. Criteria: Invitae Variant Classification Sherloc (09022015). Collection method: clinical testing. Allele origin: germline.

Mayo Clinic Laboratories, Mayo Clinic
Classification: Benign. Last evaluated: 2018-04-10. Review status: criteria provided, single submitter. Criteria: ACMG Guidelines, 2015. Collection method: clinical testing. Allele origin: germline. Observed: 12 variant alleles.

Illumina Laboratory Services, Illumina
Classification: Benign for Pyridoxal phosphate-responsive seizures. Last evaluated: 2018-01-12. Review status: criteria provided, single submitter. Criteria: ICSL Variant Classification Criteria 13 December 2019. Collection method: clinical testing. Allele origin: germline.
Comment: This variant was observed in the ICSL laboratory as part of a predisposition screen in an ostensibly healthy population. It had not been previously curated by ICSL or reported in the Human Gene Mutation Database (HGMD: prior to June 1st, 2018), and was therefore a candidate for classification through an automated scoring system. Utilizing variant allele frequency, disease prevalence and penetrance estimates, and inheritance mode, an automated score was calculated to assess if this variant is too frequent to cause the disease. Based on the score and internal cut-off values, a variant classified as benign is not then subjected to further curation. The score for this variant resulted in a classification of benign for this disease.

Athena Diagnostics
Classification: Benign. Last evaluated: 2017-11-20. Review status: criteria provided, single submitter. Criteria: Athena Diagnostics Criteria. Collection method: clinical testing. Allele origin: germline.

Ambry Genetics
Classification: Benign for Inborn genetic diseases. Last evaluated: 2016-05-26. Review status: criteria provided, single submitter. Criteria: Ambry Variant Classification Scheme 2023. Collection method: clinical testing. Allele origin: germline.

GeneDx
Classification: Benign. Last evaluated: 2012-03-28. Review status: criteria provided, single submitter. Criteria: GeneDx Variant Classification (06012015). Collection method: clinical testing. Allele origin: germline. Affected: yes.
Comment: This variant is considered likely benign or benign based on one or more of the following criteria: it is a conservative change, it occurs at a poorly conserved position in the protein, it is predicted to be benign by multiple in silico algorithms, and/or has population frequency not consistent with disease.

Breakthrough Genomics
Classification: Benign. Review status: criteria provided, single submitter. Criteria: ACMG Guidelines, 2015. Collection method: not provided. Allele origin: germline. Inheritance: Autosomal recessive inheritance. Affected: yes.

Genetic Services Laboratory, University of Chicago
Classification: Likely benign for AllHighlyPenetrant. Review status: no assertion criteria provided. Collection method: clinical testing. Allele origin: germline. Inheritance: Autosomal recessive inheritance. Not counted in ClinVar's aggregate classification.
Comment: Likely benign based on allele frequency in 1000 Genomes Project or ESP global frequency and its presence in a patient with a rare or unrelated disease phenotype. NOT Sanger confirmed.

NM_018129.4(PNPO):c.486C>G (p.Pro162=)

Gene: PNPO (pyridoxamine 5'-phosphate oxidase; plus strand). Cytogenetic location: 17q21.32.
Variant type: single nucleotide variant.
Coding change: c.486C>G on transcript NM_018129.4 (MANE Select); coding-DNA position 486, C replaced by G.
Protein change: p.Pro162=; no amino-acid change (proline 162 retained).
Molecular consequence: synonymous variant.
Genome position (GRCh38, 1-based): chr17:47,945,929, C>G. VCF-style: chr17-47945929-C-G. GRCh37 (hg19) VCF-style: chr17-46023295-C-G.
Other names: p.P162P:CCC>CCG; p.Pro162=.
Identifiers: ClinVar variation 129982 (VCV000129982.27), dbSNP rs35974730, ClinGen allele CA288978.